The following is an entry in ClinVar:

ClinVar aggregate classification (germline): Uncertain significance. Review status: criteria provided, multiple submitters, no conflicts (2 of 4 stars). 3 submissions from 3 submitters: Uncertain significance (3). Last evaluated 2025-07-15.

Conditions:
Hereditary cancer-predisposing syndrome. Also called: Neoplastic Syndromes, Hereditary; Hereditary Cancer Syndrome; Hereditary neoplastic syndrome; Tumor predisposition. Identifiers: Orphanet 140162, MedGen C0027672, MeSH D009386, MONDO:0015356.
Renal cell carcinoma. Identifiers: Orphanet 217071, MedGen C0007134, MeSH D002292, MONDO:0005086, HP:0005584.

Submissions (3):

Labcorp Genetics (formerly Invitae), Labcorp
Classification: Uncertain significance for Renal cell carcinoma. Last evaluated: 2025-07-15. Review status: criteria provided, single submitter. Criteria: Invitae Variant Classification Sherloc (09022015). Collection method: clinical testing. Allele origin: germline.
Comment: This sequence change replaces serine, which is neutral and polar, with proline, which is neutral and non-polar, at codon 687 of the MET protein (p.Ser687Pro). This variant is not present in population databases (gnomAD no frequency). This variant has not been reported in the literature in individuals affected with MET-related conditions. ClinVar contains an entry for this variant (Variation ID: 577886). Invitae Evidence Modeling of protein sequence and biophysical properties (such as structural, functional, and spatial information, amino acid conservation, physicochemical variation, residue mobility, and thermodynamic stability) indicates that this missense variant is expected to disrupt MET protein function with a positive predictive value of 80%. In summary, the available evidence is currently insufficient to determine the role of this variant in disease. Therefore, it has been classified as a Variant of Uncertain Significance.

Ambry Genetics
Classification: Uncertain significance for Hereditary cancer-predisposing syndrome. Last evaluated: 2024-07-25. Review status: criteria provided, single submitter. Criteria: Ambry Variant Classification Scheme 2023. Collection method: clinical testing. Allele origin: germline.
Comment: The p.S687P variant (also known as c.2059T>C), located in coding exon 7 of the MET gene, results from a T to C substitution at nucleotide position 2059. The serine at codon 687 is replaced by proline, an amino acid with similar properties. This amino acid position is highly conserved in available vertebrate species. In addition, this alteration is predicted to be deleterious by in silico analysis. Based on the available evidence, the clinical significance of this variant remains unclear.

GeneDx
Classification: Uncertain significance. Last evaluated: 2024-03-12. Review status: criteria provided, single submitter. Criteria: GeneDx Variant Classification Process June 2021. Collection method: clinical testing. Allele origin: germline.
Comment: Not observed at significant frequency in large population cohorts (gnomAD); In silico analysis supports that this missense variant has a deleterious effect on protein structure/function; Has not been previously published as pathogenic or benign to our knowledge

NM_000245.4(MET):c.2059T>C (p.Ser687Pro)

Gene: MET (MET proto-oncogene, receptor tyrosine kinase; plus strand). Cytogenetic location: 7q31.2.
Variant type: single nucleotide variant.
Coding change: c.2059T>C on transcript NM_000245.4 (MANE Select); coding-DNA position 2059, T replaced by C.
Protein change: p.Ser687Pro; replaces serine 687 with proline.
Molecular consequence: missense variant.
Genome position (GRCh38, 1-based): chr7:116,757,731, T>C. VCF-style: chr7-116757731-T-C. GRCh37 (hg19) VCF-style: chr7-116397785-T-C.
Other names: c.2059T>C, p.Ser687Pro (NM_001127500.3, NM_001324401.3); c.769T>C, p.Ser257Pro (NM_001324402.2); short protein forms S687P, S257P.
Identifiers: ClinVar variation 577886 (VCV000577886.12), dbSNP rs1562922167, ClinGen allele CA368980014.